The following is an entry in ClinVar:

NM_001035.3(RYR2):c.6223A>G (p.Ile2075Val)

Gene: RYR2 (ryanodine receptor 2; plus strand). Cytogenetic location: 1q43.
Variant type: single nucleotide variant.
Coding change: c.6223A>G on transcript NM_001035.3 (MANE Select); coding-DNA position 6223, A replaced by G.
Protein change: p.Ile2075Val; replaces isoleucine 2075 with valine.
Molecular consequence: missense variant.
Genome position (GRCh38, 1-based): chr1:237,627,863, A>G. VCF-style: chr1-237627863-A-G. GRCh37 (hg19) VCF-style: chr1-237791163-A-G.
Other names: short protein forms I2075V.
Identifiers: ClinVar variation 3070020 (VCV003070020.1), dbSNP rs2546888041, ClinGen allele CA345410552.

ClinVar aggregate classification (germline): Uncertain significance (1 of 4 stars; one submission).

Conditions:
Catecholaminergic polymorphic ventricular tachycardia (CVPT). Also called: Catecholamine-induced polymorphic ventricular tachycardia. Identifiers: Orphanet 3286, MedGen C5574922, MONDO:0017990.

Submission:

All of Us Research Program, National Institutes of Health
Classification: Uncertain significance for Catecholaminergic polymorphic ventricular tachycardia. Last evaluated: 2023-03-28. Review status: criteria provided, single submitter. Criteria: ACMG Guidelines, 2015. Collection method: clinical testing. Allele origin: germline. Inheritance: Autosomal dominant inheritance. Observed: 1 variant allele, 1 heterozygote.
Comment: This study involves interpretation of variants in research participants for the purpose of population health screening. Participant phenotype was not available at the time of variant classification. Additional details can be found in publication PMID: 35346344, PMCID: PMC8962531